The following is an entry in ClinVar:

NM_000875.5(IGF1R):c.2398C>T (p.Arg800Cys)

Gene: IGF1R (insulin like growth factor 1 receptor; plus strand). Cytogenetic location: 15q26.3.
Variant type: single nucleotide variant.
Coding change: c.2398C>T on transcript NM_000875.5 (MANE Select); coding-DNA position 2398, C replaced by T.
Protein change: p.Arg800Cys; replaces arginine 800 with cysteine.
Molecular consequence: missense variant.
Genome position (GRCh38, 1-based): chr15:98,922,344, C>T. VCF-style: chr15-98922344-C-T. GRCh37 (hg19) VCF-style: chr15-99465573-C-T.
Other names: c.2398C>T, p.Arg800Cys (NM_001291858.2); c.2398C>T (NM_000875.4); short protein forms R800C.
Identifiers: ClinVar variation 1711879 (VCV001711879.3), dbSNP rs1318014146, ClinGen allele CA393681190.

ClinVar aggregate classification (germline): Uncertain significance. Review status: criteria provided, multiple submitters, no conflicts (2 of 4 stars). 2 submissions from 2 submitters: Uncertain significance (2). Last evaluated 2026-06-11.

Conditions:
IGF1R-related disorder. Also called: IGF1R-related condition.

Allele frequency attached by ClinVar (database versions not stated): gnomAD exomes below 0.00001.
gnomAD v4.1: 4 of 1,614,134 alleles (0.00025%); highest among the groups gnomAD compares: Non-Finnish European, 0.00034%; no homozygotes.

Submissions (2):

PreventionGenetics, part of Exact Sciences
Classification: Uncertain significance for IGF1R-related condition. Last evaluated: 2026-06-11. Review status: criteria provided, single submitter. Criteria: ACMG Guidelines, 2015. Collection method: clinical testing. Allele origin: germline.
Comment: The IGF1R c.2398C>T variant is predicted to result in the amino acid substitution p.Arg800Cys. To our knowledge, this variant has not been reported in the literature or in a large population database (gnomAD), indicating this variant is rare. At this time, the clinical significance of this variant is uncertain due to the absence of conclusive functional and genetic evidence.

GeneDx
Classification: Uncertain significance. Last evaluated: 2022-04-08. Review status: criteria provided, single submitter. Criteria: GeneDx Variant Classification Process June 2021. Collection method: clinical testing. Allele origin: germline. Affected: yes.
Comment: Not observed at significant frequency in large population cohorts (gnomAD); In silico analysis supports that this missense variant has a deleterious effect on protein structure/function; Has not been previously published as pathogenic or benign to our knowledge